The following is an entry in ClinVar:

NM_207034.3(EDN3):c.685C>T (p.Pro229Ser)

Gene: EDN3 (endothelin 3; plus strand). Cytogenetic location: 20q13.32.
Variant type: single nucleotide variant.
Coding change: c.685C>T on transcript NM_207034.3 (MANE Select); coding-DNA position 685, C replaced by T.
Protein change: p.Pro229Ser; replaces proline 229 with serine.
Molecular consequence: missense variant. On other transcripts: 3 prime UTR variant (3).
Genome position (GRCh38, 1-based): chr20:59,324,427, C>T. VCF-style: chr20-59324427-C-T. GRCh37 (hg19) VCF-style: chr20-57899482-C-T.
Other names: c.*92C>T (NM_001302455.2); c.*60C>T (NM_001302456.2, NM_207032.3); c.643C>T, p.Pro215Ser (NM_207033.3); c.685C>T (NM_207034.2); short protein forms P229S, P215S.
Identifiers: ClinVar variation 897567 (VCV000897567.5), dbSNP rs757559436, ClinGen allele CA9930471.

ClinVar aggregate classification (germline): Uncertain significance. Review status: criteria provided, multiple submitters, no conflicts (2 of 4 stars). 2 submissions from 2 submitters: Uncertain significance (2). Last evaluated 2026-03-27.

Conditions:
EDN3-related disorder. Also called: EDN3-related condition.
Hirschsprung disease, susceptibility to, 4. Identifiers: Orphanet 388, MedGen C3150975, MONDO:0013384, OMIM 613712.

Allele frequency attached by ClinVar (database versions not stated): gnomAD 0.00001; gnomAD exomes 0.00001 and 0.00004; TOPMed 0.00001; ExAC 0.00004.
gnomAD v4.1: 14 of 1,614,044 alleles (0.00087%); highest among the groups gnomAD compares: Admixed American, 0.02%; no homozygotes.

Submissions (2):

PreventionGenetics, part of Exact Sciences
Classification: Uncertain significance for EDN3-related condition. Last evaluated: 2026-03-27. Review status: criteria provided, single submitter. Criteria: ACMG Guidelines, 2015. Collection method: clinical testing. Allele origin: germline.
Comment: The EDN3 c.685C>T variant is predicted to result in the amino acid substitution p.Pro229Ser. To our knowledge, this variant has not been reported in the literature. This variant is reported in 0.028% of alleles in individuals of Latino descent in gnomAD. At this time, the clinical significance of this variant is uncertain due to the absence of conclusive functional and genetic evidence.

Illumina Laboratory Services, Illumina
Classification: Uncertain significance for Hirschsprung disease, susceptibility to, 4. Last evaluated: 2018-01-12. Review status: criteria provided, single submitter. Criteria: ICSL Variant Classification Criteria 13 December 2019. Collection method: clinical testing. Allele origin: germline.